The following is an entry in ClinVar:

NM_177438.3(DICER1):c.3270-18A>T

Gene: DICER1 (dicer 1, ribonuclease III; minus strand). Cytogenetic location: 14q32.13.
Variant type: single nucleotide variant.
Coding change: c.3270-18A>T on transcript NM_177438.3 (MANE Select); 18 bases into the intron before coding-DNA position 3270, A replaced by T.
Molecular consequence: intron variant.
Genome position (GRCh38, 1-based): chr14:95,104,144, T>A on the plus strand (A>T on the coding strand, the complement: DICER1 is on the minus strand). VCF-style: chr14-95104144-T-A. GRCh37 (hg19) VCF-style: chr14-95570481-T-A.
Other names: c.3270-18A>T (NM_001291628.2, NM_030621.4, NM_001395677.1 and 12 more transcripts); c.2865-18A>T (NM_001395690.1, NM_001395687.1, NM_001395689.1 and 2 more transcripts); c.2988-18A>T (NM_001395686.1); c.2703-18A>T (NM_001395691.1); c.1587-18A>T (NM_001395697.1).
Identifiers: ClinVar variation 1996084 (VCV001996084.5), dbSNP rs1566769838, ClinGen allele CA913963778.

ClinVar aggregate classification (germline): Likely benign. Review status: criteria provided, multiple submitters, no conflicts (2 of 4 stars). 2 submissions from 2 submitters: Likely benign (2). Last evaluated 2026-08-17.

Conditions:
DICER1-related tumor predisposition. Also called: DICER1-related pleuropulmonary blastoma cancer predisposition syndrome; DICER1 syndrome. Identifiers: Orphanet 284343, MedGen C3839822, MONDO:0100216.

Allele frequency attached by ClinVar (database versions not stated): TOPMed 0.00001; gnomAD 0.00001.
gnomAD v4.1: 4 of 1,598,230 alleles (0.00025%); highest among the groups gnomAD compares: Non-Finnish European, 0.00034%; no homozygotes.

Submissions (2):

Myriad Genetics, Inc.
Classification: Likely benign for DICER1-related tumor predisposition. Last evaluated: 2026-08-17. Review status: criteria provided, single submitter. Criteria: Myriad Autosomal Dominant, Autosomal Recessive and X-Linked Classification Criteria (2023). Collection method: clinical testing. Allele origin: unknown.
Comment: This variant is considered likely benign. This variant is intronic and is not expected to impact mRNA splicing.

Labcorp Genetics (formerly Invitae), Labcorp
Classification: Likely benign for DICER1-related tumor predisposition. Last evaluated: 2025-12-26. Review status: criteria provided, single submitter. Criteria: Invitae Variant Classification Sherloc (09022015). Collection method: clinical testing. Allele origin: germline.